The following is an entry in ClinVar:

ClinVar aggregate classification (germline): Pathogenic (1 of 4 stars; one submission).

Conditions:
Metachromatic leukodystrophy (MLD). Also called: Cerebral sclerosis diffuse metachromatic form; ARSA DEFICIENCY; CEREBROSIDE SULFATASE DEFICIENCY; SULFATIDE LIPIDOSIS; METACHROMATIC LEUKOENCEPHALOPATHY; Arylsulfatase A Deficiency. Identifiers: Orphanet 512, MedGen C0023522, MONDO:0018868, OMIM 250100.

Submission:

Labcorp Genetics (formerly Invitae), Labcorp
Classification: Pathogenic for Metachromatic leukodystrophy. Last evaluated: 2023-05-19. Review status: criteria provided, single submitter. Criteria: Invitae Variant Classification Sherloc (09022015). Collection method: clinical testing. Allele origin: germline.
Comment: For these reasons, this variant has been classified as Pathogenic. This variant results in an extension of the ARSA protein. Other variant(s) that result in a similarly extended protein product (p.Gly449Argfs*124) have been determined to be pathogenic (PMID: 17560502, 27374302). This suggests that these extensions are likely to be disease-causing. Algorithms developed to predict the effect of sequence changes on RNA splicing suggest that this variant may disrupt the consensus splice site. This variant has not been reported in the literature in individuals affected with ARSA-related conditions. This variant is not present in population databases (gnomAD no frequency). This sequence change results in a frameshift in the ARSA gene (p.Asn440Leufs*132). While this is not anticipated to result in nonsense mediated decay, it is expected to disrupt the last 70 amino acid(s) of the ARSA protein and extend the protein by 61 additional amino acid residues.

Literature cited by the submitters: PubMed 17560502; PubMed 27374302.

NM_000487.6(ARSA):c.1314_1315del (p.Asn440fs)

Gene: ARSA (arylsulfatase A; minus strand). Cytogenetic location: 22q13.33.
Variant type: Deletion.
Coding change: c.1314_1315del on transcript NM_000487.6 (MANE Select); coding-DNA positions 1314 to 1315, 2 bases deleted (TG; older notation c.1314_1315delTG).
Protein change: p.Asn440fs; shifts the reading frame from asparagine 440.
Molecular consequence: frameshift variant.
Genome position (GRCh38, 1-based): chr22:50,625,360-50,625,361, CA deleted on the plus strand (TG on the coding strand, the reverse complement: ARSA is on the minus strand); deleting any 2 consecutive bases within chr22:50,625,360-50,625,362 gives the same sequence; the c. name uses the placement nearest the transcript's 3' end. VCF-style (leftmost placement, unchanged base first): chr22-50625359-TCA-T. GRCh37 (hg19) VCF-style: chr22-51063787-TCA-T.
Other names: c.1314_1315del, p.Asn440fs (NM_001085425.3, NM_001085426.3, NM_001085427.3); c.1056_1057del, p.Asn354fs (NM_001085428.3, NM_001362782.2); short protein forms N354fs, N440fs.
Identifiers: ClinVar variation 2798785 (VCV002798785.3), dbSNP rs2518322092, ClinGen allele CA2657590893.
Genomic context (GRCh38, chr22:50,625,359, plus strand): 5'-TTCAGGGCTTGCAGCACCTCTGGGGTGGCCCCGGCCACACCCCCCAGCAGGTTGTAGTTC[TCA>T]CCAGGGTCCTTGGACAGGTCATAGAGCAGCGGGGGCTCATGAGCAGTCAGAGAGCTGGAG-3'